The following is an entry in ClinVar:

ClinVar aggregate classification (germline): Conflicting classifications of pathogenicity. Review status: criteria provided, conflicting classifications (1 of 4 stars). 3 submissions from 3 submitters: Uncertain significance (1); Likely benign (2). Last evaluated 2025-11-08.

Conditions:
Encephalopathy, acute, infection-induced (herpes-specific), susceptibility to, 1. Also called: Herpes simplex encephalitis, susceptibility to, 1. Identifiers: Orphanet 1930, MedGen C2750180, MONDO:0024563, OMIM 610551.

Allele frequency attached by ClinVar (database versions not stated): gnomAD 0.00091 and 0.00084; 1000 Genomes Project 30x 0.00078; TOPMed 0.00078; gnomAD exomes 0.00008 and 0.00017; ExAC 0.00025; ESP Exome Variant Server 0.00069; 1000 Genomes Project 0.00100.
gnomAD v4.1: 264 of 1,612,990 alleles (0.016%); highest among the groups gnomAD compares: African/African-American, 0.32%; 1 homozygote.

Submissions (3):

Labcorp Genetics (formerly Invitae), Labcorp
Classification: Likely benign for Encephalopathy, acute, infection-induced (herpes-specific), susceptibility to, 1. Last evaluated: 2025-11-08. Review status: criteria provided, single submitter. Criteria: Invitae Variant Classification Sherloc (09022015). Collection method: clinical testing. Allele origin: germline.

Blueprint Genetics
Classification: Likely benign. Last evaluated: 2024-11-25. Review status: criteria provided, single submitter. Criteria: ACMG Guidelines, 2015. Collection method: clinical testing. Allele origin: germline.

CeGaT Center for Human Genetics Tuebingen
Classification: Uncertain significance. Last evaluated: 2022-04-01. Review status: criteria provided, single submitter. Criteria: CeGaT Center For Human Genetics Tuebingen Variant Classification Criteria Version 2. Collection method: clinical testing. Allele origin: germline. Affected: yes. Observed: 1 variant allele.
Comment: TLR3: PM2, BP4

NM_003265.3(TLR3):c.441+3A>G

Gene: TLR3 (toll like receptor 3; plus strand). Cytogenetic location: 4q35.1.
Variant type: single nucleotide variant.
Coding change: c.441+3A>G on transcript NM_003265.3 (MANE Select); 3 bases into the intron after coding-DNA position 441, A replaced by G.
Molecular consequence: intron variant.
Genome position (GRCh38, 1-based): chr4:186,077,063, A>G. VCF-style: chr4-186077063-A-G. GRCh37 (hg19) VCF-style: chr4-186998217-A-G.
Identifiers: ClinVar variation 1592400 (VCV001592400.33), dbSNP rs143625567, ClinGen allele CA3161213.